The following is an entry in ClinVar:

NM_139125.4(MASP1):c.1774G>A (p.Gly592Ser)

Gene: MASP1 (MBL associated serine protease 1; minus strand). Cytogenetic location: 3q27.3.
Variant type: single nucleotide variant.
Coding change: c.1774G>A on transcript NM_139125.4 (MANE Select); coding-DNA position 1774, G replaced by A.
Protein change: p.Gly592Ser; replaces glycine 592 with serine.
Molecular consequence: missense variant. On other transcripts: non-coding transcript variant (1), intron variant (1).
Genome position (GRCh38, 1-based): chr3:187,236,097, C>T on the plus strand (G>A on the coding strand, the complement: MASP1 is on the minus strand). VCF-style: chr3-187236097-C-T. GRCh37 (hg19) VCF-style: chr3-186953885-C-T.
Other names: c.1303+5384G>A (NM_001879.6); short protein forms G592S.
Identifiers: ClinVar variation 1334067 (VCV001334067.2), dbSNP rs764178335, ClinGen allele CA2749182.
Genomic context (GRCh38, chr3:187,236,097, plus strand): 5'-TCCGTGTGCCACTGCTGATGATCTCATCCACTGTCACATTGGGATTGGAGATGCCCCAGC[C>T]GGCCACCAGGCCCAGCATGTGGGGGGCCGGGCCTTCAGGCTCAAGCCTTGGCAGGCAGAC-3'
Protein context (NP_624302.1, residues 582-602): PAPHMLGLVA[Gly592Ser]WGISNPNVTV

ClinVar aggregate classification (germline): Uncertain significance. Review status: criteria provided, multiple submitters, no conflicts (2 of 4 stars). 2 submissions from 2 submitters: Uncertain significance (2). Last evaluated 2024-12-16.

Conditions:
3MC syndrome 1. Also called: MICHELS SYNDROME; CRANIOSYNOSTOSIS WITH LID ANOMALIES; OCULOPALATOSKELETAL SYNDROME. Identifiers: Orphanet 293843, MedGen C0796059, MONDO:0009770, OMIM 257920.

Allele frequency attached by ClinVar (database versions not stated): gnomAD 0.00001; TOPMed 0.00001; gnomAD exomes 0.00002 and 0.00003; ExAC 0.00003.
gnomAD v4.1: 35 of 1,613,878 alleles (0.0022%); highest among the groups gnomAD compares: East Asian, 0.0045%; no homozygotes.

Submissions (2):

3billion
Classification: Uncertain significance for 3MC syndrome 1. Last evaluated: 2024-12-16. Review status: criteria provided, single submitter. Criteria: ACMG Guidelines, 2015. Collection method: clinical testing. Allele origin: germline. Affected: yes.
Comment: The variant is observed at an extremely low frequency in the gnomAD v4.1.0 dataset (total allele frequency: <0.001%). Predicted Consequence/Location: Missense variant. The majority of the known disease-causing variants of this gene are variants expected to result in premature termination of the protein. In silico tool predictions suggest damaging effect of the variant on gene or gene product [REVEL: 0.93 (>=0.6, sensitivity 0.68 and specificity 0.92)]. The different nucleotide change resulting in the same amino acid change has been previously reported to be associated with MASP1-related disorder(ClinVar ID: VCV000030077 /PMID: 21035106). The variant has been reported to be in trans with a pathogenic variant as either compound heterozygous or homozygous in at least one similarly affected unrelated individual (PMID: 21035106). The variant has been reported to co-segregate with the disease in at least one similarly affected relative/individual in the same family or similarly affected unrelated family (PMID: 21035106). Therefore, this variant is classified as Likely pathogenic according to the recommendation of ACMG/AMP guideline.

CENTOGENE GmbH and LLC - Guiding Precision Medicine
Classification: Uncertain significance for 3MC syndrome 1. Last evaluated: 2018-09-14. Review status: criteria provided, single submitter. Criteria: ACMG Guidelines, 2015. Collection method: clinical testing. Allele origin: maternal. Affected: yes.